The following is an entry in ClinVar:

ClinVar aggregate classification (germline): Uncertain significance (1 of 4 stars; one submission).

Conditions:
Cardiovascular phenotype. Identifiers: MedGen CN230736.

Submission:

Ambry Genetics
Classification: Uncertain significance for Cardiovascular phenotype. Last evaluated: 2025-05-08. Review status: criteria provided, single submitter. Criteria: Ambry Variant Classification Scheme 2023. Collection method: clinical testing. Allele origin: germline.
Comment: The p.I216V variant (also known as c.646A>G), located in coding exon 6 of the SPRED1 gene, results from an A to G substitution at nucleotide position 646. The isoleucine at codon 216 is replaced by valine, an amino acid with highly similar properties. This amino acid position is conserved. In addition, this alteration is predicted to be tolerated by in silico analysis. Based on the available evidence, the clinical significance of this variant remains unclear.

NM_152594.3(SPRED1):c.646A>G (p.Ile216Val)

Gene: SPRED1 (sprouty related EVH1 domain containing 1; plus strand). Cytogenetic location: 15q14.
Variant type: single nucleotide variant.
Coding change: c.646A>G on transcript NM_152594.3 (MANE Select); coding-DNA position 646, A replaced by G.
Protein change: p.Ile216Val; replaces isoleucine 216 with valine.
Molecular consequence: missense variant.
Genome position (GRCh38, 1-based): chr15:38,349,485, A>G. VCF-style: chr15-38349485-A-G. GRCh37 (hg19) VCF-style: chr15-38641686-A-G.
Other names: short protein forms I216V.
Identifiers: ClinVar variation 3961392 (VCV003961392.1).